The following is an entry in ClinVar:

ClinVar aggregate classification (germline): Uncertain significance. Review status: criteria provided, multiple submitters, no conflicts (2 of 4 stars). 3 submissions from 3 submitters: Uncertain significance (3). Last evaluated 2026-01-26.

Conditions:
Inborn genetic diseases. Identifiers: MedGen C0950123, MeSH D030342.
Hereditary cancer-predisposing syndrome. Also called: Hereditary Cancer Syndrome; Hereditary neoplastic syndrome; Neoplastic Syndromes, Hereditary; Tumor predisposition. Identifiers: Orphanet 140162, MedGen C0027672, MeSH D009386, MONDO:0015356.
Fanconi anemia (FA). Also called: Fanconi's anemia. Identifiers: Orphanet 84, MedGen C0015625, MeSH D005199, MONDO:0019391.

gnomAD v4.1: 3 of 1,613,314 alleles (0.00019%); highest among the groups gnomAD compares: East Asian, 0.0045%; no homozygotes.

Submissions (3):

Labcorp Genetics (formerly Invitae), Labcorp
Classification: Uncertain significance for Fanconi anemia. Last evaluated: 2026-01-26. Review status: criteria provided, single submitter. Criteria: Invitae Variant Classification Sherloc (09022015). Collection method: clinical testing. Allele origin: germline.
Comment: This sequence change replaces valine, which is neutral and non-polar, with phenylalanine, which is neutral and non-polar, at codon 970 of the FANCM protein (p.Val970Phe). This variant is present in population databases (no rsID available, gnomAD 0.01%). This variant has not been reported in the literature in individuals affected with FANCM-related conditions. ClinVar contains an entry for this variant (Variation ID: 1691897). An algorithm developed to predict the effect of missense changes on protein structure and function (PolyPhen-2) suggests that this variant is likely to be tolerated. In summary, the available evidence is currently insufficient to determine the role of this variant in disease. Therefore, it has been classified as a Variant of Uncertain Significance.

Ambry Genetics
Classification: Uncertain significance for Inborn genetic diseases. Last evaluated: 2025-01-16. Review status: criteria provided, single submitter. Criteria: Ambry Variant Classification Scheme 2023. Collection method: clinical testing. Allele origin: germline.
Comment: The p.V970F variant (also known as c.2908G>T), located in coding exon 14 of the FANCM gene, results from a G to T substitution at nucleotide position 2908. The valine at codon 970 is replaced by phenylalanine, an amino acid with highly similar properties. This amino acid position is conserved. In addition, this alteration is predicted to be tolerated by in silico analysis. Based on the available evidence, the clinical significance of this variant remains unclear.

Sema4
Classification: Uncertain significance for Hereditary cancer-predisposing syndrome. Last evaluated: 2021-08-10. Review status: criteria provided, single submitter. Criteria: Sema4 Curation Guidelines. Collection method: curation. Allele origin: germline.
Comment: The FANCM c.2908G>T (p.V970F) variant has been reported in at least one individual with breast cancer as well as in controls (PMID: 33471991). It was observed in 2/18374 chromosomes of the East Asian subpopulation in the Genome Aggregation Database (PMID: 32461654). The variant has not been reported in ClinVar. In silico tools suggest the impact of the variant on protein function is benign though these predictions have not been confirmed by functional studies. The evidence is insufficient to meet ACMG/AMP criteria for classifying the variant as benign or pathogenic. Thus, the clinical significance of this variant is currently uncertain.

Literature cited by the submitters: PubMed 33471991 (cited by Sema4).

NM_020937.4(FANCM):c.2908G>T (p.Val970Phe)

Gene: FANCM (FA complementation group M; plus strand). Cytogenetic location: 14q21.2.
Variant type: single nucleotide variant.
Coding change: c.2908G>T on transcript NM_020937.4 (MANE Select); coding-DNA position 2908, G replaced by T.
Protein change: p.Val970Phe; replaces valine 970 with phenylalanine.
Molecular consequence: missense variant.
Genome position (GRCh38, 1-based): chr14:45,175,662, G>T. VCF-style: chr14-45175662-G-T. GRCh37 (hg19) VCF-style: chr14-45644865-G-T.
Other names: c.2830G>T, p.Val944Phe (NM_001308133.2); short protein forms V944F, V970F.
Identifiers: ClinVar variation 1691897 (VCV001691897.7), dbSNP rs1245895480, ClinGen allele CA389599444.